The following is an entry in ClinVar:

ClinVar aggregate classification (germline): Uncertain significance (1 of 4 stars; one submission).

Conditions:
Intellectual developmental disorder, X-linked 106. Also called: Intellectual disability, X-linked 106; Mental retardation, X-linked 106. Identifiers: MedGen C4478379, MONDO:0030907, OMIM 300997.

Submission:

Illumina Laboratory Services, Illumina
Classification: Uncertain significance for Intellectual developmental disorder, X-linked 106. Last evaluated: 2023-08-18. Review status: criteria provided, single submitter. Criteria: ICSLVariantClassificationCriteria RUGD 01 April 2020. Collection method: clinical testing. Allele origin: unknown.
Comment: This variant is not observed in version 2.1.1 or version 3.1.2 of the Genome Aggregation Database. The p.Thr570Ile variant was identified in a de novo state. Based on the available evidence, the c.1709C>T (p.Thr570Ile) variant is classified as a variant of uncertain significance for X-linked intellectual disability.

NM_181672.3(OGT):c.1709C>T (p.Thr570Ile)

Gene: OGT (O-linked N-acetylglucosamine (GlcNAc) transferase; plus strand). Cytogenetic location: Xq13.1.
Variant type: single nucleotide variant.
Coding change: c.1709C>T on transcript NM_181672.3 (MANE Select); coding-DNA position 1709, C replaced by T.
Protein change: p.Thr570Ile; replaces threonine 570 with isoleucine.
Molecular consequence: missense variant.
Genome position (GRCh38, 1-based): chrX:71,559,373, C>T. VCF-style: chrX-71559373-C-T. GRCh37 (hg19) VCF-style: chrX-70779223-C-T.
Other names: c.1679C>T, p.Thr560Ile (NM_181673.3); short protein forms T560I, T570I.
Identifiers: ClinVar variation 2637957 (VCV002637957.1), dbSNP rs2522848815, ClinGen allele CA413556237.